The following is an entry in ClinVar:

ClinVar aggregate classification (germline): Likely benign (1 of 4 stars; one submission).

Conditions:
Wolfram syndrome 1 (WFS1). Identifiers: Orphanet 3463, MedGen C4551693, MONDO:0009101, OMIM 222300.

Allele frequency attached by ClinVar (database versions not stated): TOPMed below 0.00001.
gnomAD v4.1: 1 of 1,613,910 alleles (0.000062%); highest among the groups gnomAD compares: Non-Finnish European, 0.000085%; no homozygotes.

Submission:

Clinical Genomics, Uppaluri K&H Personalized Medicine Clinic
Classification: Likely benign for Wolfram syndrome 1. Review status: criteria provided, single submitter. Criteria: K & H Uppaluri Personalized Medicine Clinic Variant Classification & Assertion Criteria_Updated V.1. Collection method: research. Allele origin: unknown. Inheritance: Autosomal recessive inheritance.
Comment: Potent mutations in WFS1 gene are associated with Wolfram's syndrome, an autosomal recessive condition, which cause diabetes mellitus, diabetes insipidus, deafness and optic atrophy. However no sufficient evidence is found to ascertain the role of this particular variant rs1310473702 in Wolfram's syndrome yet.

Literature cited by the submitters: PubMed 20738327; PubMed 33879153; PubMed 12955714; PubMed 18060660; PubMed 20301750; PubMed 17603484.

NM_006005.3(WFS1):c.884C>G (p.Ala295Gly)

Gene: WFS1 (wolframin ER transmembrane glycoprotein; plus strand). Cytogenetic location: 4p16.1.
Variant type: single nucleotide variant.
Coding change: c.884C>G on transcript NM_006005.3 (MANE Select); coding-DNA position 884, C replaced by G.
Protein change: p.Ala295Gly; replaces alanine 295 with glycine.
Molecular consequence: missense variant.
Genome position (GRCh38, 1-based): chr4:6,300,679, C>G. VCF-style: chr4-6300679-C-G. GRCh37 (hg19) VCF-style: chr4-6302406-C-G.
Other names: c.884C>G, p.Ala295Gly (NM_001145853.1); short protein forms A295G.
Identifiers: ClinVar variation 1810361 (VCV001810361.1), dbSNP rs1310473702, ClinGen allele CA356173811.